The following is an entry in ClinVar:

NM_018109.4(MTPAP):c.1382G>A (p.Arg461Gln)

Gene: MTPAP (mitochondrial poly(A) polymerase; minus strand). Cytogenetic location: 10p11.23.
Variant type: single nucleotide variant.
Coding change: c.1382G>A on transcript NM_018109.4 (MANE Select); coding-DNA position 1382, G replaced by A.
Protein change: p.Arg461Gln; replaces arginine 461 with glutamine.
Molecular consequence: missense variant.
Genome position (GRCh38, 1-based): chr10:30,315,967, C>T on the plus strand (G>A on the coding strand, the complement: MTPAP is on the minus strand). VCF-style: chr10-30315967-C-T. GRCh37 (hg19) VCF-style: chr10-30604896-C-T.
Other names: c.1382G>A (NM_018109.3); short protein forms R461Q.
Identifiers: ClinVar variation 1976460 (VCV001976460.7), dbSNP rs772000928, ClinGen allele CA5458970.
Genomic context (GRCh38, chr10:30,315,967, plus strand): 5'-ATATTAGTACAGTGGAAGACCAGATACTAATAACTAAATAGTAAAACATTATTTACCTGT[C>T]GAATATTTATGGAATTTTTATCGAAAGCAAAATTGCCAAAATACTCAAAAAATTCCTTCA-3'
Protein context (NP_060579.3, residues 451-471): FAFDKNSINI[Arg461Gln]QGREQNKPDS

ClinVar aggregate classification (germline): Uncertain significance. Review status: criteria provided, multiple submitters, no conflicts (2 of 4 stars). 3 submissions from 3 submitters: Uncertain significance (3). Last evaluated 2025-10-28.

Conditions:
Inborn genetic diseases. Identifiers: MedGen C0950123, MeSH D030342.

Allele frequency attached by ClinVar (database versions not stated): TOPMed below 0.00001; gnomAD 0.00001; gnomAD exomes 0.00003; ExAC 0.00004.
gnomAD v4.1: 43 of 1,590,936 alleles (0.0027%); highest among the groups gnomAD compares: East Asian, 0.076%; no homozygotes.

Submissions (3):

Athena Diagnostics
Classification: Uncertain significance. Last evaluated: 2025-10-28. Review status: criteria provided, single submitter. Criteria: Athena Diagnostics Criteria. Collection method: clinical testing. Allele origin: unknown.
Comment: Available data are insufficient to determine the clinical significance of the variant at this time. The frequency of this variant in the general population is uninformative in assessment of its pathogenicity. Polyphen and MutationTaster predict this amino acid change may be damaging to the protein.

Labcorp Genetics (formerly Invitae), Labcorp
Classification: Uncertain significance. Last evaluated: 2024-10-29. Review status: criteria provided, single submitter. Criteria: Invitae Variant Classification Sherloc (09022015). Collection method: clinical testing. Allele origin: germline.
Comment: This sequence change replaces arginine, which is basic and polar, with glutamine, which is neutral and polar, at codon 461 of the MTPAP protein (p.Arg461Gln). The frequency data for this variant in the population databases is considered unreliable, as metrics indicate poor data quality at this position in the gnomAD database. This variant has not been reported in the literature in individuals affected with MTPAP-related conditions. ClinVar contains an entry for this variant (Variation ID: 1976460). Invitae Evidence Modeling of protein sequence and biophysical properties (such as structural, functional, and spatial information, amino acid conservation, physicochemical variation, residue mobility, and thermodynamic stability) indicates that this missense variant is expected to disrupt MTPAP protein function with a positive predictive value of 80%. In summary, the available evidence is currently insufficient to determine the role of this variant in disease. Therefore, it has been classified as a Variant of Uncertain Significance.

Ambry Genetics
Classification: Uncertain significance for Inborn genetic diseases. Last evaluated: 2024-09-02. Review status: criteria provided, single submitter. Criteria: Ambry Variant Classification Scheme 2023. Collection method: clinical testing. Allele origin: germline.